The following is an entry in ClinVar:

ClinVar aggregate classification (germline): Uncertain significance. Review status: criteria provided, multiple submitters, no conflicts (2 of 4 stars). 2 submissions from 2 submitters: Uncertain significance (2). Last evaluated 2024-10-23.

Conditions:
Hereditary nonpolyposis colorectal neoplasms. Identifiers: MedGen C0009405, MeSH D003123.
Hereditary cancer-predisposing syndrome. Also called: Neoplastic Syndromes, Hereditary; Hereditary Cancer Syndrome; Hereditary neoplastic syndrome; Tumor predisposition. Identifiers: Orphanet 140162, MedGen C0027672, MeSH D009386, MONDO:0015356.

Submissions (2):

Ambry Genetics
Classification: Uncertain significance for Hereditary cancer-predisposing syndrome. Last evaluated: 2024-10-23. Review status: criteria provided, single submitter. Criteria: Ambry Variant Classification Scheme 2023. Collection method: clinical testing. Allele origin: germline.
Comment: The p.Q894L variant (also known as c.2681A>T), located in coding exon 4 of the MSH6 gene, results from an A to T substitution at nucleotide position 2681. The glutamine at codon 894 is replaced by leucine, an amino acid with dissimilar properties. This amino acid position is conserved. In addition, the in silico prediction for this alteration is inconclusive. Based on the available evidence, the clinical significance of this variant remains unclear.

Labcorp Genetics (formerly Invitae), Labcorp
Classification: Uncertain significance for Hereditary nonpolyposis colorectal neoplasms. Last evaluated: 2023-09-13. Review status: criteria provided, single submitter. Criteria: Invitae Variant Classification Sherloc (09022015). Collection method: clinical testing. Allele origin: germline.
Comment: Advanced modeling of protein sequence and biophysical properties (such as structural, functional, and spatial information, amino acid conservation, physicochemical variation, residue mobility, and thermodynamic stability) performed at Invitae indicates that this missense variant is not expected to disrupt MSH6 protein function. In summary, the available evidence is currently insufficient to determine the role of this variant in disease. Therefore, it has been classified as a Variant of Uncertain Significance. This variant has not been reported in the literature in individuals affected with MSH6-related conditions. This variant is not present in population databases (gnomAD no frequency). This sequence change replaces glutamine, which is neutral and polar, with leucine, which is neutral and non-polar, at codon 894 of the MSH6 protein (p.Gln894Leu).

NM_000179.3(MSH6):c.2681A>T (p.Gln894Leu)

Gene: MSH6 (mutS homolog 6; plus strand). Cytogenetic location: 2p16.3.
Variant type: single nucleotide variant.
Coding change: c.2681A>T on transcript NM_000179.3 (MANE Select); coding-DNA position 2681, A replaced by T.
Protein change: p.Gln894Leu; replaces glutamine 894 with leucine.
Molecular consequence: missense variant. On other transcripts: non-coding transcript variant (5), intron variant (2), splice acceptor variant (1).
Genome position (GRCh38, 1-based): chr2:47,800,664, A>T. VCF-style: chr2-47800664-A-T. GRCh37 (hg19) VCF-style: chr2-48027803-A-T.
Other names: c.2291A>T, p.Gln764Leu (NM_001281492.2); c.1775A>T, p.Gln592Leu (NM_001281493.2, NM_001281494.2, NM_001406811.1 and 6 more transcripts); c.2777A>T, p.Gln926Leu (NM_001406795.1, NM_001406802.1); c.2681A>T, p.Gln894Leu (NM_001406796.1, NM_001406798.1, NM_001406800.1 and 2 more transcripts); c.2384A>T, p.Gln795Leu (NM_001406797.1, NM_001406801.1, NM_001406805.1 and 10 more transcripts); c.2156A>T, p.Gln719Leu (NM_001406799.1, NM_001406806.1, NM_001406807.1); c.2603A>T, p.Gln868Leu (NM_001406804.1); c.2687A>T, p.Gln896Leu (NM_001406813.1); and 4 more; short protein forms Q795L, Q894L, Q896L, Q592L, Q719L, Q926L, Q764L, Q838L.
Identifiers: ClinVar variation 2757632 (VCV002757632.4), dbSNP rs1669496676, ClinGen allele CA346755281.
Genomic context (GRCh38, chr2:47,800,664, plus strand): 5'-TCATGGAAGAAGTTGCTGATGGTTTTAAGTCTAAAATCCTTAAGCAGGTCATCTCTCTGC[A>T]GACAAAAAATCCTGAAGGTCGTTTTCCTGATTTGACTGTAGAATTGAACCGATGGGATAC-3'
Protein context (NP_000170.1, residues 884-904): SKILKQVISL[Gln894Leu]TKNPEGRFPD